The following is an entry in ClinVar:

ClinVar aggregate classification (germline): Uncertain significance (1 of 4 stars; one submission).

Submission:

Labcorp Genetics (formerly Invitae), Labcorp
Classification: Uncertain significance. Last evaluated: 2025-01-01. Review status: criteria provided, single submitter. Criteria: Invitae Variant Classification Sherloc (09022015). Collection method: clinical testing. Allele origin: germline.
Comment: This sequence change replaces aspartic acid, which is acidic and polar, with asparagine, which is neutral and polar, at codon 519 of the COL9A2 protein (p.Asp519Asn). This variant is not present in population databases (gnomAD no frequency). This variant has not been reported in the literature in individuals affected with COL9A2-related conditions. Invitae Evidence Modeling of protein sequence and biophysical properties (such as structural, functional, and spatial information, amino acid conservation, physicochemical variation, residue mobility, and thermodynamic stability) indicates that this missense variant is not expected to disrupt COL9A2 protein function with a negative predictive value of 95%. In summary, the available evidence is currently insufficient to determine the role of this variant in disease. Therefore, it has been classified as a Variant of Uncertain Significance.

NM_001852.4(COL9A2):c.1555G>A (p.Asp519Asn)

Gene: COL9A2 (collagen type IX alpha 2 chain; minus strand). Cytogenetic location: 1p34.2.
Variant type: single nucleotide variant.
Coding change: c.1555G>A on transcript NM_001852.4 (MANE Select); coding-DNA position 1555, G replaced by A.
Protein change: p.Asp519Asn; replaces aspartic acid 519 with asparagine.
Molecular consequence: missense variant.
Genome position (GRCh38, 1-based): chr1:40,303,179, C>T on the plus strand (G>A on the coding strand, the complement: COL9A2 is on the minus strand). VCF-style: chr1-40303179-C-T. GRCh37 (hg19) VCF-style: chr1-40768851-C-T.
Other names: short protein forms D519N.
Identifiers: ClinVar variation 3633530 (VCV003633530.2).
Genomic context (GRCh38, chr1:40,303,179, plus strand): 5'-GCTGCCCCTCACCTTGCAGCATCTTCAGCGCCACATCCACGATGTGCTGGTCAGTGGCAT[C>T]CCGGCCCTGAAAGCAGAGGCCTTTCAGGAAGAAGCCCCTGGCTACAAGGGCCCACCGCTC-3'
Protein context (NP_001843.1, residues 509-529): QPGRQGVEGR[Asp519Asn]ATDQHIVDVA